The following is an entry in ClinVar:

ClinVar aggregate classification (germline): Conflicting classifications of pathogenicity. Review status: criteria provided, conflicting classifications (1 of 4 stars). 9 submissions from 9 submitters: Uncertain significance (5); Likely benign (4). Last evaluated 2026-08-01.

Conditions:
Timothy syndrome (TS). Also called: LONG QT SYNDROME WITH SYNDACTYLY. Identifiers: Orphanet 65283, MedGen C1832916, MeSH C536962, MONDO:0010979, OMIM 601005.
Long QT syndrome 8. Identifiers: MedGen CN260585, MONDO:0032756, OMIM 618447.
Brugada syndrome 3 (BRGDA3). Identifiers: Orphanet 130, MedGen C2678478, MONDO:0012742, OMIM 611875.
Cardiovascular phenotype. Identifiers: MedGen CN230736.
Primary dilated cardiomyopathy (DCM). Also called: Dilated Cardiomyopathy. Identifiers: Orphanet 217604, MedGen C0007193, MeSH D002311, MONDO:0005021, HP:0001644. Inheritance: Various modes of inheritance.
CACNA1C-related disorder. Also called: CACNA1C-related disorders; CACNA1C-related condition. Identifiers: MedGen CN381092, MONDO:0700321.
Long QT syndrome (LQTS). Identifiers: MedGen C0023976, MeSH D008133, MONDO:0002442. Disease mechanism: loss of function. Inheritance: Various modes of inheritance.

Allele frequency attached by ClinVar (database versions not stated): gnomAD 0.00010 and 0.00011; TOPMed 0.00014.
gnomAD v4.1: 87 of 1,613,930 alleles (0.0054%); highest among the groups gnomAD compares: Admixed American, 0.022%; no homozygotes.

Submissions (9):

CeGaT Center for Human Genetics Tuebingen
Classification: Uncertain significance. Last evaluated: 2026-08-01. Review status: criteria provided, single submitter. Criteria: CeGaT Center For Human Genetics Tuebingen Variant Classification Criteria Version 2. Collection method: clinical testing. Allele origin: germline. Affected: yes. Observed: 1 variant allele.

Labcorp Genetics (formerly Invitae), Labcorp
Classification: Likely benign for Long QT syndrome. Last evaluated: 2026-01-19. Review status: criteria provided, single submitter. Criteria: Invitae Variant Classification Sherloc (09022015). Collection method: clinical testing. Allele origin: germline.

PreventionGenetics, part of Exact Sciences
Classification: Likely benign for CACNA1C-related condition. Last evaluated: 2025-04-09. Review status: criteria provided, single submitter. Criteria: ACMG Guidelines, 2015. Collection method: clinical testing. Allele origin: germline.
Comment: This variant is classified as likely benign based on ACMG/AMP sequence variant interpretation guidelines (Richards et al. 2015 PMID: 25741868, with internal and published modifications).

Blueprint Genetics
Classification: Likely benign. Last evaluated: 2024-11-26. Review status: criteria provided, single submitter. Criteria: ACMG Guidelines, 2015. Collection method: clinical testing. Allele origin: germline.

Ambry Genetics
Classification: Likely benign for Cardiovascular phenotype. Last evaluated: 2023-08-03. Review status: criteria provided, single submitter. Criteria: Ambry Variant Classification Scheme 2023. Collection method: clinical testing. Allele origin: germline.

Fulgent Genetics
Classification: Uncertain significance for Timothy syndrome; Brugada syndrome 3; Long QT syndrome 8. Last evaluated: 2021-09-30. Review status: criteria provided, single submitter. Criteria: ACMG Guidelines, 2015. Collection method: clinical testing. Allele origin: unknown.

GeneDx
Classification: Uncertain significance. Last evaluated: 2020-02-07. Review status: criteria provided, single submitter. Criteria: GeneDx Variant Classification Process June 2021. Collection method: clinical testing. Allele origin: germline. Affected: yes.
Comment: In silico analysis supports that this missense variant has a deleterious effect on protein structure/function; This variant is associated with the following publications: (PMID: 31179551, 25184293, 23677916)

Center for Advanced Laboratory Medicine, UC San Diego Health, University of California San Diego
Classification: Uncertain significance for Dilated cardiomyopathy. Last evaluated: 2017-05-19. Review status: criteria provided, single submitter. Criteria: ACMG Guidelines, 2015. Collection method: clinical testing. Allele origin: germline. Affected: yes. Observed: 1 variant allele.

Laboratory for Molecular Medicine, Mass General Brigham Personalized Medicine
Classification: Uncertain significance. Last evaluated: 2016-10-20. Review status: criteria provided, single submitter. Criteria: LMM Criteria. Collection method: clinical testing. Allele origin: germline.
Comment: Variant identified in a genome or exome case(s) and assessed due to predicted null impact of the variant or pathogenic assertions in the literature or databases. Disclaimer: This variant has not undergone full assessment. The following are preliminary notes: Arg1906Gln on HGMD transcript.

NM_000719.7(CACNA1C):c.5717G>A (p.Arg1906Gln)

Genes: CACNA1C-AS1 (CACNA1C antisense RNA 1; minus strand), CACNA1C (calcium voltage-gated channel subunit alpha1 C; plus strand). Cytogenetic location: 12p13.33.
Variant type: single nucleotide variant.
Coding change: c.5717G>A on transcript NM_000719.7 (MANE Select); coding-DNA position 5717, G replaced by A.
Protein change: p.Arg1906Gln; replaces arginine 1906 with glutamine.
Molecular consequence: missense variant.
Genome position (GRCh38, 1-based): chr12:2,686,202, G>A. VCF-style: chr12-2686202-G-A. GRCh37 (hg19) VCF-style: chr12-2795368-G-A.
Other names: c.5861G>A, p.Arg1954Gln (NM_001129827.2); c.5840G>A, p.Arg1947Gln (NM_001129829.2); c.5822G>A, p.Arg1941Gln (NM_001129830.3, NM_001167624.3); c.5801G>A, p.Arg1934Gln (NM_001129831.2); c.5777G>A, p.Arg1926Gln (NM_001129832.2); c.5774G>A, p.Arg1925Gln (NM_001129833.2, NM_001129834.2, NM_001129835.2); c.5768G>A, p.Arg1923Gln (NM_001129836.2); c.5741G>A, p.Arg1914Gln (NM_001129837.2, NM_001129838.2); and 6 more; short protein forms R1906Q, R1941Q, R1954Q, R1989Q, R1912Q, R1947Q, R1914Q, R1923Q.
Identifiers: ClinVar variation 402467 (VCV000402467.23), dbSNP rs758166168, ClinGen allele CA6389955.